The following is an entry in ClinVar:

NM_001145809.2(MYH14):c.4594G>T (p.Ala1532Ser)

Gene: MYH14 (myosin heavy chain 14; plus strand). Cytogenetic location: 19q13.33.
Variant type: single nucleotide variant.
Coding change: c.4594G>T on transcript NM_001145809.2 (MANE Select); coding-DNA position 4594, G replaced by T.
Protein change: p.Ala1532Ser; replaces alanine 1532 with serine.
Molecular consequence: missense variant.
Genome position (GRCh38, 1-based): chr19:50,286,536, G>T. VCF-style: chr19-50286536-G-T. GRCh37 (hg19) VCF-style: chr19-50789793-G-T.
Other names: c.4495G>T, p.Ala1499Ser (NM_001077186.2); c.4471G>T, p.Ala1491Ser (NM_024729.4); short protein forms A1491S, A1499S, A1532S.
Identifiers: ClinVar variation 1331102 (VCV001331102.2), dbSNP rs1171891709, ClinGen allele CA406958905.

ClinVar aggregate classification (germline): Uncertain significance (1 of 4 stars; one submission).

Allele frequency attached by ClinVar (database versions not stated): gnomAD exomes below 0.00001; TOPMed below 0.00001; gnomAD 0.00001.
gnomAD v4.1: 3 of 1,613,388 alleles (0.00019%); highest among the groups gnomAD compares: Admixed American, 0.005%; no homozygotes.

Submission:

GeneDx
Classification: Uncertain significance. Last evaluated: 2021-06-29. Review status: criteria provided, single submitter. Criteria: GeneDx Variant Classification Process June 2021. Collection method: clinical testing. Allele origin: germline. Affected: yes.
Comment: Not observed at significant frequency in large population cohorts (Lek et al., 2016); In silico analysis supports that this missense variant does not alter protein structure/function; Has not been previously published as pathogenic or benign to our knowledge; This variant is associated with the following publications: (PMID: 27535533)